The following is an entry in ClinVar:

ClinVar aggregate classification (germline): Likely pathogenic (1 of 4 stars; one submission).

Conditions:
Hereditary acrodermatitis enteropathica (AEZ). Also called: Acrodermatitis enteropathica. Identifiers: Orphanet 37, MedGen C0221036, MONDO:0008713, OMIM 201100.

Submission:

Natera, Inc.
Classification: Likely pathogenic for Acrodermatitis enteropathica. Last evaluated: 2025-07-29. Review status: criteria provided, single submitter. Criteria: Natera Variant Classification Schema (03/2026). Collection method: clinical testing. Allele origin: germline.
Comment: The c.158_179del variant in SLC39A4 is a frameshift variant predicted to shift the reading frame beginning at codon 53 and leads to a stop codon 77 codons downstream. This variant is expected to result in nonsense mediated decay, truncation, or a dysfunctional protein product. This variant is rare in the general population with a frequency below the threshold expected for the associated phenotype(s). Given the available evidence, this variant is classified as Likely Pathogenic.

NM_130849.4(SLC39A4):c.158_179del (p.Asp53fs)

Gene: SLC39A4 (solute carrier family 39 member 4; minus strand). Cytogenetic location: 8q24.3.
Variant type: Deletion.
Coding change: c.158_179del on transcript NM_130849.4 (MANE Select); coding-DNA positions 158 to 179, 22 bases deleted (ACCGTGTGCACTGCGCCAACGG).
Protein change: p.Asp53fs; shifts the reading frame from aspartic acid 53.
Molecular consequence: frameshift variant.
Genome position (GRCh38, 1-based): chr8:144,416,611-144,416,632, CCGTTGGCGCAGTGCACACGGT deleted on the plus strand (ACCGTGTGCACTGCGCCAACGG on the coding strand, the reverse complement: SLC39A4 is on the minus strand); deleting any 22 consecutive bases within chr8:144,416,611-144,416,635 gives the same sequence; the c. name uses the placement nearest the transcript's 3' end. VCF-style (leftmost placement, unchanged base first): chr8-144416610-CCCGTTGGCGCAGTGCACACGGT-C. GRCh37 (hg19) VCF-style: chr8-145641994-CCCGTTGGCGCAGTGCACACGGT-C.
Other names: c.158_179del, p.Asp53fs (NM_001374839.1); short protein forms D53fs.
Identifiers: ClinVar variation 4816456 (VCV004816456.1).